The following is an entry in ClinVar:

NM_007192.4(SUPT16H):c.980A>G (p.Asn327Ser)

Gene: SUPT16H (SPT16 homolog, facilitates chromatin remodeling subunit; minus strand). Cytogenetic location: 14q11.2.
Variant type: single nucleotide variant.
Coding change: c.980A>G on transcript NM_007192.4 (MANE Select); coding-DNA position 980, A replaced by G.
Protein change: p.Asn327Ser; replaces asparagine 327 with serine.
Molecular consequence: missense variant.
Genome position (GRCh38, 1-based): chr14:21,366,505, T>C on the plus strand (A>G on the coding strand, the complement: SUPT16H is on the minus strand). VCF-style: chr14-21366505-T-C. GRCh37 (hg19) VCF-style: chr14-21834664-T-C.
Other names: short protein forms N327S.
Identifiers: ClinVar variation 4529841 (VCV004529841.1).

ClinVar aggregate classification (germline): Uncertain significance (1 of 4 stars; one submission).

Submission:

GeneDx
Classification: Uncertain significance. Last evaluated: 2025-05-13. Review status: criteria provided, single submitter. Criteria: GeneDx Variant Classification Process June 2021. Collection method: clinical testing. Allele origin: germline. Affected: yes.
Comment: Not observed at significant frequency in large population cohorts (gnomAD); In silico analysis suggests that this missense variant does not alter protein structure/function; Has not been previously published as pathogenic or benign to our knowledge